The following is an entry in ClinVar:

ClinVar aggregate classification (germline): Uncertain significance (1 of 4 stars; one submission).

Submission:

Labcorp Genetics (formerly Invitae), Labcorp
Classification: Uncertain significance. Last evaluated: 2024-02-22. Review status: criteria provided, single submitter. Criteria: Invitae Variant Classification Sherloc (09022015). Collection method: clinical testing. Allele origin: germline.
Comment: This sequence change replaces valine, which is neutral and non-polar, with leucine, which is neutral and non-polar, at codon 695 of the LONP1 protein (p.Val695Leu). This variant is not present in population databases (gnomAD no frequency). This variant has not been reported in the literature in individuals affected with LONP1-related conditions. Advanced modeling of protein sequence and biophysical properties (such as structural, functional, and spatial information, amino acid conservation, physicochemical variation, residue mobility, and thermodynamic stability) performed at Invitae indicates that this missense variant is not expected to disrupt LONP1 protein function with a negative predictive value of 80%. In summary, the available evidence is currently insufficient to determine the role of this variant in disease. Therefore, it has been classified as a Variant of Uncertain Significance.

NM_004793.4(LONP1):c.2083G>C (p.Val695Leu)

Gene: LONP1 (lon peptidase 1, mitochondrial; minus strand). Cytogenetic location: 19p13.3.
Variant type: single nucleotide variant.
Coding change: c.2083G>C on transcript NM_004793.4 (MANE Select); coding-DNA position 2083, G replaced by C.
Protein change: p.Val695Leu; replaces valine 695 with leucine.
Molecular consequence: missense variant. On other transcripts: non-coding transcript variant (1).
Genome position (GRCh38, 1-based): chr19:5,694,832, C>G on the plus strand (G>C on the coding strand, the complement: LONP1 is on the minus strand). VCF-style: chr19-5694832-C-G. GRCh37 (hg19) VCF-style: chr19-5694843-C-G.
Other names: c.1891G>C, p.Val631Leu (NM_001276479.2); c.1495G>C, p.Val499Leu (NM_001276480.1); short protein forms V499L, V631L, V695L.
Identifiers: ClinVar variation 3642663 (VCV003642663.2).